The following is an entry in ClinVar:

NM_024496.4(IRF2BPL):c.1007C>G (p.Ser336Trp)

Gene: IRF2BPL (interferon regulatory factor 2 binding protein like; minus strand). Cytogenetic location: 14q24.3.
Variant type: single nucleotide variant.
Coding change: c.1007C>G on transcript NM_024496.4 (MANE Select); coding-DNA position 1007, C replaced by G.
Protein change: p.Ser336Trp; replaces serine 336 with tryptophan.
Molecular consequence: missense variant.
Genome position (GRCh38, 1-based): chr14:77,026,786, G>C on the plus strand (C>G on the coding strand, the complement: IRF2BPL is on the minus strand). VCF-style: chr14-77026786-G-C. GRCh37 (hg19) VCF-style: chr14-77493129-G-C.
Other names: NM_024496.4:c.1007C>G; short protein forms S336W.
Identifiers: ClinVar variation 4974521 (VCV004974521.1).
Genomic context (GRCh38, chr14:77,026,786, plus strand): 5'-TCGGCCAGGGCCTCGGCGTTGCGCTGCTTCTCCTTCAACTCGCGCTCCTGGTCTGTGCTC[G>C]ACACCGAGCCGGGCCTCTTACCACCAGCACCCACGCCCACCTCTGCCACCGACGAAGAGG-3'
Protein context (NP_078772.1, residues 326-346): GAGGKRPGSV[Ser336Trp]STDQERELKE

ClinVar aggregate classification (germline): Uncertain significance (1 of 4 stars; one submission).

Conditions:
Neurodegeneration. Also called: neurodegenerative disorder; Neurodegenerative disease; Neurodegenerative illness. Identifiers: MedGen C0027746, MONDO:0005559, HP:0002180.

Submission:

Broad Center for Mendelian Genomics, Broad Institute of MIT and Harvard
Classification: Uncertain significance for Neurodegeneration. Last evaluated: 2026-08-12. Review status: criteria provided, single submitter. Criteria: ACMG Guidelines, 2015. Collection method: research. Allele origin: germline. Inheritance: Autosomal dominant inheritance. Study: GREGoR Consortium.
Comment: The p.Ser336Trp variant in IRF2BPL has not been previously reported in the literature in individuals with neurodegenerative disease, and was absent from large population studies. Computational prediction tools, including splice predictors, and conservation analyses suggest that this variant may not impact the protein, though this information is not predictive enough to rule out pathogenicity. In summary, the clinical significance of the p.Ser336Trp variant is uncertain. ACMG/AMP Criteria applied: PM2_supporting, BP4 (Richards 2015).